The following is an entry in ClinVar:

NM_003482.4(KMT2D):c.3312C>T (p.Pro1104=)

Gene: KMT2D (lysine methyltransferase 2D; minus strand). Cytogenetic location: 12q13.12.
Variant type: single nucleotide variant.
Coding change: c.3312C>T on transcript NM_003482.4 (MANE Select); coding-DNA position 3312, C replaced by T.
Protein change: p.Pro1104=; no amino-acid change (proline 1104 retained).
Molecular consequence: synonymous variant.
Genome position (GRCh38, 1-based): chr12:49,050,276, G>A on the plus strand (C>T on the coding strand, the complement: KMT2D is on the minus strand). VCF-style: chr12-49050276-G-A. GRCh37 (hg19) VCF-style: chr12-49444059-G-A.
Other names: c.3312C>T (NM_003482.3).
Identifiers: ClinVar variation 1659171 (VCV001659171.24), dbSNP rs373466645, ClinGen allele CA6548078.
Genomic context (GRCh38, chr12:49,050,276, plus strand): 5'-AGGGGCTGTGTCTTCCCCTAGGCCAGAGAAGTCATCCAGGGCTGGGGCAGGGCTGGGGGC[G>A]GGGCAGGAAAGGTCCCCCATTGGGGAAGGGAGAGGACTGGTGGCACTGGGTTCCAAGGCT-3'
Protein context (NP_003473.3, residues 1094-1114): LPSPMGDLSC[Pro1104=]APSPAPALDD

ClinVar aggregate classification (germline): Conflicting classifications of pathogenicity. Review status: criteria provided, conflicting classifications (1 of 4 stars). 4 submissions from 4 submitters: Uncertain significance (1); Likely benign (2). 1 of the submissions does not count toward it. Last evaluated 2025-12-23.

Conditions:
Choanal atresia-athelia-hypothyroidism-delayed puberty-short stature syndrome (BCAHH). Also called: BRANCHIAL ARCH ABNORMALITIES, CHOANAL ATRESIA, ATHELIA, HEARING LOSS, AND HYPOTHYROIDISM SYNDROME. Identifiers: Orphanet 589856, MedGen C5680310, MONDO:0035651, OMIM 620186.
Kabuki syndrome 1 (KABUK1). Also called: KMT2D-Related Kabuki Syndrome. Identifiers: Orphanet 2322, MedGen CN030661, MONDO:0007843, OMIM 147920.
KMT2D-related disorder. Also called: KMT2D-Related Disorders.
Kabuki syndrome. Also called: NIIKAWA-KUROKI SYNDROME; Kabuki make-up syndrome. Identifiers: Orphanet 2322, MedGen C0796004, MONDO:0016512.

Allele frequency attached by ClinVar (database versions not stated): TOPMed 0.00006; gnomAD 0.00007 and 0.00008; gnomAD exomes 0.00007 and 0.00010; ExAC 0.00008; ESP Exome Variant Server 0.00008.
gnomAD v4.1: 155 of 1,611,466 alleles (0.0096%); highest among the groups gnomAD compares: Non-Finnish European, 0.012%; no homozygotes.

Submissions (4):

Labcorp Genetics (formerly Invitae), Labcorp
Classification: Likely benign for Kabuki syndrome. Last evaluated: 2025-12-23. Review status: criteria provided, single submitter. Criteria: Invitae Variant Classification Sherloc (09022015). Collection method: clinical testing. Allele origin: germline.

CeGaT Center for Human Genetics Tuebingen
Classification: Likely benign. Last evaluated: 2025-01-01. Review status: criteria provided, single submitter. Criteria: CeGaT Center For Human Genetics Tuebingen Variant Classification Criteria Version 2. Collection method: clinical testing. Allele origin: germline. Affected: yes. Observed: 1 variant allele.
Comment: KMT2D: BP4, BP7

Fulgent Genetics
Classification: Uncertain significance for Kabuki syndrome 1; Choanal atresia-athelia-hypothyroidism-delayed puberty-short stature syndrome. Last evaluated: 2024-05-23. Review status: criteria provided, single submitter. Criteria: ACMG Guidelines, 2015. Collection method: clinical testing. Allele origin: germline.

PreventionGenetics, part of Exact Sciences
Classification: Likely benign for KMT2D-related condition. Last evaluated: 2022-01-27. Review status: no assertion criteria provided. Collection method: clinical testing. Allele origin: germline. Not counted in ClinVar's aggregate classification.
Comment: This variant is classified as likely benign based on ACMG/AMP sequence variant interpretation guidelines (Richards et al. 2015 PMID: 25741868, with internal and published modifications).